The following is an entry in ClinVar:

ClinVar aggregate classification (germline): Conflicting classifications of pathogenicity. Review status: criteria provided, conflicting classifications (1 of 4 stars). 6 submissions from 6 submitters: Uncertain significance (4); Benign (1); Likely benign (1). Last evaluated 2025-11-08.

Conditions:
Hereditary cancer-predisposing syndrome. Also called: Hereditary Cancer Syndrome; Hereditary neoplastic syndrome; Tumor predisposition; Neoplastic Syndromes, Hereditary. Identifiers: Orphanet 140162, MedGen C0027672, MeSH D009386, MONDO:0015356.
Hereditary breast ovarian cancer syndrome. Also called: Hereditary breast and ovarian cancer syndrome; Hereditary breast and ovarian cancer syndrome (HBOC); BRCA1- and BRCA2-Associated Hereditary Breast and Ovarian Cancer; Breast and ovarian cancer; Hereditary breast and ovarian cancer; Hereditary breast and/or ovarian cancer syndrome. Identifiers: Orphanet 145, MedGen C0677776, MeSH D061325, MONDO:0003582. Disease mechanism: loss of function.
Breast-ovarian cancer, familial, susceptibility to, 1 (BROVCA1). Also called: OVARIAN CANCER, SUSCEPTIBILITY TO; BRCA1 Hereditary Breast and Ovarian Cancer. Identifiers: Orphanet 145, MedGen C2676676, MONDO:0011450, OMIM 604370. Disease mechanism: loss of function.

Allele frequency attached by ClinVar (database versions not stated): gnomAD exomes below 0.00001 and 0.00001.
gnomAD v4.1: 5 of 1,614,100 alleles (0.00031%); highest among the groups gnomAD compares: Non-Finnish European, 0.00042%; no homozygotes.

Submissions (6):

Ambry Genetics
Classification: Uncertain significance for Hereditary cancer-predisposing syndrome. Last evaluated: 2025-11-08. Review status: criteria provided, single submitter. Criteria: Ambry Variant Classification Scheme 2023. Collection method: clinical testing. Allele origin: germline.
Comment: The p.N1002D variant (also known as c.3004A>G), located in coding exon 9 of the BRCA1 gene, results from an A to G substitution at nucleotide position 3004. The asparagine at codon 1002 is replaced by aspartic acid, an amino acid with highly similar properties. This variant was not reported in population based cohorts in the following databases: Database of Single Nucleotide Polymorphisms (dbSNP), NHLBI Exome Sequencing Project (ESP), and 1000 Genomes Project. In the ESP, this variant was not observed in 6503 samples (13006 alleles) with coverage at this position. To date, this alteration has been detected with an allele frequency of approximately 0.001% (greater than 225000 alleles tested) in our clinical cohort. This amino acid position is poorly conserved in available vertebrate species. In addition, this alteration is predicted to be benign and deleterious by PolyPhen and SIFT in silico analyses, respectively. Since supporting evidence is limited at this time, the clinical significance of p.N1002D remains unclear.

Labcorp Genetics (formerly Invitae), Labcorp
Classification: Benign for Hereditary breast ovarian cancer syndrome. Last evaluated: 2025-10-01. Review status: criteria provided, single submitter. Criteria: Invitae Variant Classification Sherloc (09022015). Collection method: clinical testing. Allele origin: germline.

All of Us Research Program, National Institutes of Health
Classification: Uncertain significance for Breast-ovarian cancer, familial, susceptibility to, 1. Last evaluated: 2023-10-30. Review status: criteria provided, single submitter. Criteria: ACMG Guidelines, 2015. Collection method: clinical testing. Allele origin: germline. Inheritance: Autosomal dominant inheritance. Observed: 1 variant allele, 1 heterozygote.
Comment: This study involves interpretation of variants in research participants for the purpose of population health screening. Participant phenotype was not available at the time of variant classification. Additional details can be found in publication PMID: 35346344, PMCID: PMC8962531

University of Washington Department of Laboratory Medicine, University of Washington
Classification: Likely benign for Hereditary cancer-predisposing syndrome. Last evaluated: 2023-03-23. Review status: criteria provided, single submitter. Criteria: Dines et al. (Genet Med. 2020). Collection method: curation. Allele origin: germline.
Comment: Missense variant in a coldspot region where missense variants are very unlikely to be pathogenic (PMID:31911673).

BRCA1 coldspot (exon 11 using historical exon numbering). Reclassification based on statistical prior probability

Color Diagnostics, LLC DBA Color Health
Classification: Uncertain significance for Hereditary cancer-predisposing syndrome. Last evaluated: 2019-04-07. Review status: criteria provided, single submitter. Criteria: ACMG Guidelines, 2015. Collection method: clinical testing. Allele origin: germline.

Quest Diagnostics Nichols Institute San Juan Capistrano
Classification: Uncertain significance. Last evaluated: 2017-01-27. Review status: criteria provided, single submitter. Criteria: Quest Diagnostics criteria. Collection method: clinical testing. Allele origin: germline.

Literature cited by the submitters: PubMed 17262179 (cited by Quest Diagnostics Nichols Institute San Juan Capistrano).

NM_007294.4(BRCA1):c.3004A>G (p.Asn1002Asp)

Gene: BRCA1 (BRCA1 DNA repair associated; minus strand). Cytogenetic location: 17q21.31.
Variant type: single nucleotide variant.
Coding change: c.3004A>G on transcript NM_007294.4 (MANE Select); coding-DNA position 3004, A replaced by G.
Protein change: p.Asn1002Asp; replaces asparagine 1002 with aspartic acid.
Molecular consequence: missense variant. On other transcripts: intron variant (137).
Genome position (GRCh38, 1-based): chr17:43,092,527, T>C on the plus strand (A>G on the coding strand, the complement: BRCA1 is on the minus strand). VCF-style: chr17-43092527-T-C. GRCh37 (hg19) VCF-style: chr17-41244544-T-C.
Other names: c.2926A>G, p.Asn976Asp (NM_001407663.1, NM_001407653.1, NM_001407654.1 and 4 more transcripts); c.2881A>G, p.Asn961Asp (NM_001407664.1, NM_001407665.1, NM_001407666.1 and 19 more transcripts); c.2878A>G, p.Asn960Asp (NM_001407670.1, NM_001407671.1, NM_001407672.1 and 11 more transcripts); c.3004A>G, p.Asn1002Asp (NM_001407684.1, NM_001407854.1, NM_001407858.1 and 30 more transcripts); c.2863A>G, p.Asn955Asp (NM_001407727.1, NM_001407728.1, NM_001407729.1 and 29 more transcripts); c.2860A>G, p.Asn954Asp (NM_001407746.1, NM_001407747.1, NM_001407748.1 and 20 more transcripts); c.2791A>G, p.Asn931Asp (NM_001407853.1, NM_001407894.1, NM_001407895.1 and 9 more transcripts); c.3001A>G, p.Asn1001Asp (NM_001407860.1, NM_001407861.1, NM_001407587.1 and 22 more transcripts); and 41 more; short protein forms N1002D, N955D, N913D, N934D, N935D, N976D, N706D, N874D.
Identifiers: ClinVar variation 186062 (VCV000186062.22), dbSNP rs786202665, ClinGen allele CA001957.